The following is an entry in ClinVar:

ClinVar aggregate classification (germline): Uncertain significance (1 of 4 stars; one submission).

Conditions:
Lipoic acid synthetase deficiency. Also called: HYPERGLYCINEMIA, LACTIC ACIDOSIS, AND SEIZURES. Identifiers: Orphanet 401859, MedGen C3280887, MONDO:0013762, OMIM 614462.

Allele frequency attached by ClinVar (database versions not stated): gnomAD 0.00001; gnomAD exomes 0.00001; TOPMed 0.00001.
gnomAD v4.1: 15 of 1,608,230 alleles (0.00093%); highest among the groups gnomAD compares: Middle Eastern, 0.033%; no homozygotes.

Submission:

Labcorp Genetics (formerly Invitae), Labcorp
Classification: Uncertain significance for Lipoic acid synthetase deficiency. Last evaluated: 2022-04-01. Review status: criteria provided, single submitter. Criteria: Invitae Variant Classification Sherloc (09022015). Collection method: clinical testing. Allele origin: germline.
Comment: This sequence change replaces arginine, which is basic and polar, with histidine, which is basic and polar, at codon 350 of the LIAS protein (p.Arg350His). This variant is present in population databases (rs779790258, gnomAD 0.01%). This variant has not been reported in the literature in individuals affected with LIAS-related conditions. ClinVar contains an entry for this variant (Variation ID: 844220). Algorithms developed to predict the effect of missense changes on protein structure and function (SIFT, PolyPhen-2, Align-GVGD) all suggest that this variant is likely to be disruptive. In summary, the available evidence is currently insufficient to determine the role of this variant in disease. Therefore, it has been classified as a Variant of Uncertain Significance.

NM_006859.4(LIAS):c.1049G>A (p.Arg350His)

Gene: LIAS (lipoic acid synthetase; plus strand). Cytogenetic location: 4p14.
Variant type: single nucleotide variant.
Coding change: c.1049G>A on transcript NM_006859.4 (MANE Select); coding-DNA position 1049, G replaced by A.
Protein change: p.Arg350His; replaces arginine 350 with histidine.
Molecular consequence: missense variant. On other transcripts: intron variant (1).
Genome position (GRCh38, 1-based): chr4:39,473,194, G>A. VCF-style: chr4-39473194-G-A. GRCh37 (hg19) VCF-style: chr4-39474814-G-A.
Other names: c.920G>A, p.Arg307His (NM_001278590.2); c.740G>A, p.Arg247His (NM_001363700.2); c.954+1888G>A (NM_194451.3); short protein forms R247H, R307H, R350H.
Identifiers: ClinVar variation 844220 (VCV000844220.3), dbSNP rs779790258, ClinGen allele CA95733086.